The following is an entry in ClinVar:

NM_006363.6(SEC23B):c.40C>T (p.Arg14Trp)

Gene: SEC23B (SEC23 homolog B, COPII component; plus strand). Cytogenetic location: 20p11.23.
Variant type: single nucleotide variant.
Coding change: c.40C>T on transcript NM_006363.6 (MANE Select); coding-DNA position 40, C replaced by T.
Protein change: p.Arg14Trp; replaces arginine 14 with tryptophan.
Molecular consequence: missense variant.
Genome position (GRCh38, 1-based): chr20:18,510,875, C>T. VCF-style: chr20-18510875-C-T. GRCh37 (hg19) VCF-style: chr20-18491519-C-T.
Other names: c.40C>T, p.Arg14Trp (NM_001172745.3, NM_001172746.3, NM_032985.6 and 1 more transcripts); short protein forms R14W.
Identifiers: ClinVar variation 1223 (VCV000001223.95), dbSNP rs121918222, ClinGen allele CA114846.

ClinVar aggregate classification (germline): Pathogenic/Likely pathogenic. Review status: criteria provided, multiple submitters, no conflicts (2 of 4 stars). 17 submissions from 17 submitters: Pathogenic (13); Likely pathogenic (1). 3 of the submissions do not count toward it. Last evaluated 2026-06-01.

Conditions:
Cowden syndrome 7 (CWS7). Identifiers: Orphanet 201, MedGen C4225179, MONDO:0014802, OMIM 616858.
Congenital dyserythropoietic anemia, type II (CDAN2). Also called: DYSERYTHROPOIETIC ANEMIA, HEMPAS TYPE. Identifiers: Orphanet 98873, MedGen C1306589, MONDO:0009134, OMIM 224100.
SEC23B-related disorder. Also called: SEC23B-related disorders; SEC23B-related condition.

Allele frequency attached by ClinVar (database versions not stated): ExAC 0.00016; gnomAD 0.00017 and 0.00018; TOPMed 0.00024; gnomAD exomes 0.00011 and 0.00023.
gnomAD v4.1: 200 of 1,613,968 alleles (0.012%); highest among the groups gnomAD compares: Middle Eastern, 0.082%; no homozygotes.

Submissions 1 to 12 of 17:

CeGaT Center for Human Genetics Tuebingen
Classification: Pathogenic. Last evaluated: 2026-06-01. Review status: criteria provided, single submitter. Criteria: CeGaT Center For Human Genetics Tuebingen Variant Classification Criteria Version 2. Collection method: clinical testing. Allele origin: germline. Affected: yes. Observed: 10 variant alleles.
Comment: SEC23B: PM3:Very Strong, PM2, PP3, PS3:Supporting

Labcorp Genetics (formerly Invitae), Labcorp
Classification: Pathogenic for Congenital dyserythropoietic anemia, type II; Cowden syndrome 7. Last evaluated: 2026-02-03. Review status: criteria provided, single submitter. Criteria: Invitae Variant Classification Sherloc (09022015). Collection method: clinical testing. Allele origin: germline.
Comment: This sequence change replaces arginine, which is basic and polar, with tryptophan, which is neutral and slightly polar, at codon 14 of the SEC23B protein (p.Arg14Trp). This variant is present in population databases (rs121918222, gnomAD 0.06%). This missense change has been observed in individual(s) with congenital dyserythropoietic anemia type II (PMID: 19561605, 19621418, 20015893, 21850656). In at least one individual the data is consistent with being in trans (on the opposite chromosome) from a pathogenic variant. ClinVar contains an entry for this variant (Variation ID: 1223). Invitae Evidence Modeling of protein sequence and biophysical properties (such as structural, functional, and spatial information, amino acid conservation, physicochemical variation, residue mobility, and thermodynamic stability) indicates that this missense variant is expected to disrupt SEC23B protein function with a positive predictive value of 95%. Experimental studies have shown that this missense change affects SEC23B function (PMID: 19561605). For these reasons, this variant has been classified as Pathogenic.

BloodGenetics
Classification: Pathogenic for Congenital dyserythropoietic anemia, type II. Last evaluated: 2025-03-12. Review status: criteria provided, single submitter. Criteria: ACMG Guidelines, 2015. Collection method: clinical testing. Allele origin: germline. Affected: yes. Observed: 2 variant alleles.
Comment: The NM_006363.6(SEC23B): c.40C>T (p.Arg14Trp) missense variant replace arginine, which is basic and polar, with tryptophan, which is neutral and slightly polar, at codon 14 of the SEC23B protein (p.Phe656Leu). This variant is reported in the literature in individual(s) with congenital dyserythropoietic anemia (CDA) type II (PMID: 19561605, 19621418, 20015893, 21850656). ClinVar contains an entry for this variant (VCV.version: VCV000001223.79). This variant is present in population databases (rs121918222, gnomAD 0.06%). In total we found this variant in 2 CDAII patients (family 4 Case00386-P-00208 and family 9 Case131U-Patient240U-P-00031). This case is published in paper PMID: 37373084 where functional studies for this variant and other variants were done. In summary, this variant meets criteria to be classified as pathogenic for CDA type II based on the ACMG/AMP criteria applied: PP3 strong, PM2 supporting, PP2 supporting, PP3 supporting, PM3 supporting, PP5 moderate.

Center for Genomic Medicine, Rigshospitalet, Copenhagen University Hospital
Classification: Pathogenic. Last evaluated: 2025-03-04. Review status: criteria provided, single submitter. Criteria: ACMG Guidelines, 2015. Collection method: clinical testing. Allele origin: germline.

ARUP Laboratories, Molecular Genetics and Genomics, ARUP Laboratories
Classification: Pathogenic. Last evaluated: 2025-02-06. Review status: criteria provided, single submitter. Criteria: ARUP Molecular Germline Variant Investigation Process 2024. Collection method: clinical testing. Allele origin: germline.
Comment: The SEC23B c.40C>T; p.Arg14Trp variant (rs121918222, ClinVar Variation ID: 1223) is reported in the literature as a founder variant associated with congenital dyserythropoietic anemia type II (CDA II) in the Italian population (Russo 2011). In CDA II patients, the p.Arg14Trp variant was always detected along with another damaging SEC23B variant as a compound heterozygote (Aydin Koker 2018, Bianchi 2009, Iolascon 2010, Mansour-Hendili 2020, Mendez 2021, Moreno-Carralero 2018, Punzo 2011, Schwarz 2009). This variant is found in the general population with an overall allele frequency of 0.02% (67/282848 alleles) in the Genome Aggregation Database (v2.1.1). Computational analyses predict that this variant is deleterious (REVEL: 0.75). In addition, in vitro functional analyses demonstrate that Arg14Trp-mutated SEC23B is extremely unstable with less than 5% of residual protein activity (Schwarz 2009). Based on available information, this SEC23B variant is considered to be pathogenic. References: Aydin Koker S et al. Identification of a Novel Mutation in the SEC23B Gene Associated With Congenital Dyserythropoietic Anemia Type II Through the Use of Next-generation Sequencing Panel in an Undiagnosed Case of Nonimmune Hereditary Hemolytic Anemia. J Pediatr Hematol Oncol. 2018 Oct. PMID: 29846281. Bianchi P et al. Congenital dyserythropoietic anemia type II (CDAII) is caused by mutations in the SEC23B gene. Hum Mutat. 2009 Sep. PMID: 19621418 Iolascon A et al. Molecular analysis of 42 patients with congenital dyserythropoietic anemia type II: new mutations in the SEC23B gene and a search for a genotype-phenotype relationship. Haematologica. 2010 May. PMID: 20015893 Mansour-Hendili L et al. Exome sequencing for diagnosis of congenital hemolytic anemia. Orphanet J Rare Dis. 2020 Jul 8. PMID: 32641076 Mendez M et al. Congenital dyserythropoietic anemia types Ib, II, and III: novel variants in the CDIN1 gene and functional study of a novel variant in the KIF23 gene. Ann Hematol. 2021 Feb. PMID: 33159567 Moreno-Carralero MI et al. Clinical and genetic features of congenital dyserythropoietic anemia (CDA). Eur J Haematol. 2018 Sep. PMID: 29901818 Punzo F et al. Congenital dyserythropoietic anemia type II: molecular analysis and expression of the SEC23B gene. Orphanet J Rare Dis. 2011 Dec 30. PMID: 22208203 Russo R et al. Two founder mutations in the SEC23B gene account for the relatively high frequency of CDA II in the Italian population. Am J Hematol. 2011 Sep. PMID: 21850656 Schwarz K et al. Mutations affecting the secretory COPII coat component SEC23B cause congenital dyserythropoietic anemia type II. Nat Genet. 2009 Aug. PMID: 19561605

Revvity Omics, Revvity
Classification: Pathogenic. Last evaluated: 2024-11-20. Review status: criteria provided, single submitter. Criteria: ACMG Guidelines, 2015. Collection method: clinical testing. Allele origin: germline.

Blueprint Genetics
Classification: Pathogenic for SEC23B-related disorders. Last evaluated: 2024-10-22. Review status: criteria provided, single submitter. Criteria: ACMG Guidelines, 2015. Collection method: clinical testing. Allele origin: germline. Affected: yes. Observed: 5 variant alleles.

Mayo Clinic Laboratories, Mayo Clinic
Classification: Pathogenic. Last evaluated: 2024-07-23. Review status: criteria provided, single submitter. Criteria: ACMG Guidelines, 2015. Collection method: clinical testing. Allele origin: germline.

Genomic Medicine Center of Excellence, King Faisal Specialist Hospital and Research Centre
Classification: Likely pathogenic for Congenital dyserythropoietic anemia, type II. Last evaluated: 2024-03-26. Review status: criteria provided, single submitter. Criteria: ACMG Guidelines, 2015. Collection method: clinical testing. Allele origin: germline.

Fulgent Genetics
Classification: Pathogenic for Congenital dyserythropoietic anemia, type II; Cowden syndrome 7. Last evaluated: 2024-03-10. Review status: criteria provided, single submitter. Criteria: ACMG Guidelines, 2015. Collection method: clinical testing. Allele origin: germline.

Oxford Medical Genetics Laboratories, Oxford University Hospitals NHS Foundation Trust
Classification: Pathogenic for Congenital dyserythropoietic anemia, type II. Last evaluated: 2023-03-23. Review status: criteria provided, single submitter. Criteria: ACMG Guidelines, 2015. Collection method: clinical testing. Allele origin: germline. Affected: yes.

GeneDx
Classification: Pathogenic. Last evaluated: 2022-06-20. Review status: criteria provided, single submitter. Criteria: GeneDx Variant Classification Process June 2021. Collection method: clinical testing. Allele origin: germline. Affected: yes.
Comment: One of the most common recurrent variants in the SEC23B gene and is considered a founder mutation in Italy, Morocco, and Israel (Russo et al., 2014); Published functional studies demonstrate a damaging effect: in vitro studies indicate the variant is unstable with less than 5% of the protein detectable compared to wild type (Schwarz et al., 2009); In silico analysis supports that this missense variant has a deleterious effect on protein structure/function; This variant is associated with the following publications: (PMID: 21850656, 23935019, 19621418, 29846281, 20015893, 22208203, 33159567, 19561605, 25044164, 34426522, 31589614, 32641076)